The following is an entry in ClinVar:

NM_000400.4(ERCC2):c.665C>G (p.Ser222Cys)

Gene: ERCC2 (ERCC excision repair 2, TFIIH core complex helicase subunit; minus strand). Cytogenetic location: 19q13.32.
Variant type: single nucleotide variant.
Coding change: c.665C>G on transcript NM_000400.4 (MANE Select); coding-DNA position 665, C replaced by G.
Protein change: p.Ser222Cys; replaces serine 222 with cysteine.
Molecular consequence: missense variant.
Genome position (GRCh38, 1-based): chr19:45,364,477, G>C on the plus strand (C>G on the coding strand, the complement: ERCC2 is on the minus strand). VCF-style: chr19-45364477-G-C. GRCh37 (hg19) VCF-style: chr19-45867735-G-C.
Other names: c.593C>G, p.Ser198Cys (NM_001130867.2); short protein forms S198C, S222C.
Identifiers: ClinVar variation 2586793 (VCV002586793.2), dbSNP rs2123291744, ClinGen allele CA406374377.
Genomic context (GRCh38, chr19:45,364,477, plus strand): 5'-CCCTCACCAATGTTGTGGGCCTCGTCGAAGACCACGACGGCCTTGCGGGCCAGTTCCTTG[G>C]ACACCAGGTCTGCAATCTTGGGGTCCAGGAGGTAGTGGTAGCTATAAACCACCACATTGG-3'
Protein context (NP_000391.1, residues 212-232): LLDPKIADLV[Ser222Cys]KELARKAVVV

ClinVar aggregate classification (germline): Uncertain significance (1 of 4 stars; one submission).

Conditions:
Inborn genetic diseases. Identifiers: MedGen C0950123, MeSH D030342.

Submission:

Ambry Genetics
Classification: Uncertain significance for Inborn genetic diseases. Last evaluated: 2023-08-28. Review status: criteria provided, single submitter. Criteria: Ambry Variant Classification Scheme 2023. Collection method: clinical testing. Allele origin: germline.
Comment: The p.S222C variant (also known as c.665C>G), located in coding exon 8 of the ERCC2 gene, results from a C to G substitution at nucleotide position 665. The serine at codon 222 is replaced by cysteine, an amino acid with dissimilar properties. This amino acid position is conserved. In addition, this alteration is predicted to be deleterious by in silico analysis. Since supporting evidence is limited at this time, the clinical significance of this alteration remains unclear.